The following is an entry in ClinVar:

NM_006017.3(PROM1):c.784+1G>A

Gene: PROM1 (prominin 1; minus strand). Cytogenetic location: 4p15.32.
Variant type: single nucleotide variant.
Coding change: c.784+1G>A on transcript NM_006017.3 (MANE Select); the canonical splice donor site of the intron after coding-DNA position 784, G replaced by A.
Molecular consequence: splice donor variant.
Genome position (GRCh38, 1-based): chr4:16,023,325, C>T on the plus strand (G>A on the coding strand, the complement: PROM1 is on the minus strand). VCF-style: chr4-16023325-C-T. GRCh37 (hg19) VCF-style: chr4-16024948-C-T.
Other names: NP_006008.1:p.?; c.757+1G>A (NM_001145848.2, NM_001145852.2, NM_001145847.2 and 4 more transcripts); c.784+1G>A (NM_001145850.2, NM_001145849.2).
Identifiers: ClinVar variation 802056 (VCV000802056.15), dbSNP rs745704627, ClinGen allele CA2866962.

ClinVar aggregate classification (germline): Pathogenic. Review status: criteria provided, multiple submitters, no conflicts (2 of 4 stars). 5 submissions from 5 submitters: Pathogenic (4). 1 of the submissions does not count toward it. Last evaluated 2025-11-27.

Conditions:
PROM1-related disorder. Also called: PROM1-related disorders; PROM1-related condition.
Leber congenital amaurosis (LCA). Also called: Leber's amaurosis. Identifiers: Orphanet 65, MedGen C0339527, MeSH D057130, MONDO:0018998.
Stargardt disease (FFM). Also called: Fundus flavimaculatus; Stargardt's disease. Identifiers: Orphanet 827, MedGen C0271093, MONDO:0019353.
Retinitis pigmentosa 41 (RP41). Also called: RETINAL DEGENERATION, AUTOSOMAL RECESSIVE, PROMININ-RELATED. Identifiers: Orphanet 791, MedGen C2677516, MONDO:0012796, OMIM 612095.

Allele frequency attached by ClinVar (database versions not stated): gnomAD exomes below 0.00001; ExAC 0.00002; TOPMed 0.00002.
gnomAD v4.1: 5 of 1,596,748 alleles (0.00031%); highest among the groups gnomAD compares: Admixed American, 0.0051%; no homozygotes.

Submissions (5):

Labcorp Genetics (formerly Invitae), Labcorp
Classification: Pathogenic. Last evaluated: 2025-11-27. Review status: criteria provided, single submitter. Criteria: Invitae Variant Classification Sherloc (09022015). Collection method: clinical testing. Allele origin: germline.
Comment: This sequence change affects a donor splice site in intron 7 of the PROM1 gene. It is expected to disrupt RNA splicing. Variants that disrupt the donor or acceptor splice site typically lead to a loss of protein function (PMID: 16199547), and loss-of-function variants in PROM1 are known to be pathogenic (PMID: 17605048, 19718270, 24154662, 25474345). The frequency data for this variant in the population databases is considered unreliable, as metrics indicate poor data quality at this position in the gnomAD database. Disruption of this splice site has been observed in individuals with clinical features of autosomal recessive Stargardt disease (internal data). ClinVar contains an entry for this variant (Variation ID: 802056). Algorithms developed to predict the effect of sequence changes on RNA splicing suggest that this variant may disrupt the consensus splice site. For these reasons, this variant has been classified as Pathogenic.

Blueprint Genetics
Classification: Pathogenic for PROM1-related disorders. Last evaluated: 2024-10-02. Review status: criteria provided, single submitter. Criteria: ACMG Guidelines, 2015. Collection method: clinical testing. Allele origin: germline. Affected: yes. Observed: 4 variant alleles.

Ophthalmic Genetics Group, Institute of Molecular and Clinical Ophthalmology Basel
Classification: Pathogenic for Leber congenital amaurosis. Last evaluated: 2023-07-24. Review status: criteria provided, single submitter. Criteria: ACMG Guidelines, 2015. Collection method: research. Allele origin: germline. Affected: yes. Observed: 1 variant allele.
Comment: Clinical significance based on ACMG v2.0

This variant was classified as Pathogenic based on ACMG criteria: PVS1, PP5, PM2.

Mendelics
Classification: Pathogenic for Retinitis pigmentosa 41. Last evaluated: 2019-05-28. Review status: criteria provided, single submitter. Criteria: Mendelics Assertion Criteria 2017. Collection method: clinical testing. Allele origin: unknown.

Ophthalmo-Genetics Lab, Instituto de Oftalmologia Conde de Valenciana
Classification: Pathogenic for Stargardt disease. Last evaluated: 2022-12-13. Review status: no assertion criteria provided. Collection method: research. Allele origin: biparental. Inheritance: Autosomal recessive inheritance. Affected: yes. Observed: 1 homozygote. Not counted in ClinVar's aggregate classification.

Literature cited by the submitters: PubMed 16199547 (cited by Labcorp Genetics (formerly Invitae), Labcorp); PubMed 17605048 (cited by Labcorp Genetics (formerly Invitae), Labcorp); PubMed 19718270 (cited by Labcorp Genetics (formerly Invitae), Labcorp); PubMed 24154662 (cited by Labcorp Genetics (formerly Invitae), Labcorp); PubMed 25474345 (cited by Labcorp Genetics (formerly Invitae), Labcorp); PubMed 36909829 (cited by Ophthalmic Genetics Group, Institute of Molecular and Clinical Ophthalmology Basel); PubMed 30578500 (cited by Ophthalmo-Genetics Lab, Instituto de Oftalmologia Conde de Valenciana).